The following is an entry in ClinVar:

ClinVar aggregate classification (germline): Benign (0 of 4 stars; one submission).

Conditions:
MYO7B-related disorder. Also called: MYO7B-related condition.

Allele frequency attached by ClinVar (database versions not stated): gnomAD exomes 0.00077; ExAC 0.00365; gnomAD 0.00650; ESP Exome Variant Server 0.00685; 1000 Genomes Project 0.00719; TOPMed 0.00739; 1000 Genomes Project 30x 0.00859.
gnomAD v4.1: 2,183 of 1,585,556 alleles (0.14%); highest among the groups gnomAD compares: African/African-American, 2.3%; 33 homozygotes.

Submission:

PreventionGenetics, part of Exact Sciences
Classification: Benign for MYO7B-related condition. Last evaluated: 2019-04-11. Review status: no assertion criteria provided. Collection method: clinical testing. Allele origin: germline.
Comment: This variant is classified as benign based on ACMG/AMP sequence variant interpretation guidelines (Richards et al. 2015 PMID: 25741868, with internal and published modifications).

NM_001393586.1(MYO7B):c.4013G>A (p.Arg1338Gln)

Gene: MYO7B (myosin VIIB; plus strand). Cytogenetic location: 2q14.3.
Variant type: single nucleotide variant.
Coding change: c.4013G>A on transcript NM_001393586.1 (MANE Select); coding-DNA position 4013, G replaced by A.
Protein change: p.Arg1338Gln; replaces arginine 1338 with glutamine.
Molecular consequence: missense variant.
Genome position (GRCh38, 1-based): chr2:127,624,286, G>A. VCF-style: chr2-127624286-G-A. GRCh37 (hg19) VCF-style: chr2-128381861-G-A.
Other names: c.3935G>A, p.Arg1312Gln (NM_001080527.2); c.494G>A, p.Arg165Gln (NM_001393594.1); short protein forms R1312Q, R1338Q, R165Q.
Identifiers: ClinVar variation 3037869 (VCV003037869.2), dbSNP rs61743523, ClinGen allele CA1861603.